The following is an entry in ClinVar:

ClinVar aggregate classification (germline): Uncertain significance (1 of 4 stars; one submission).

Submission:

Labcorp Genetics (formerly Invitae), Labcorp
Classification: Uncertain significance. Last evaluated: 2024-09-06. Review status: criteria provided, single submitter. Criteria: Invitae Variant Classification Sherloc (09022015). Collection method: clinical testing. Allele origin: germline.
Comment: This sequence change replaces arginine, which is basic and polar, with cysteine, which is neutral and slightly polar, at codon 222 of the EIF2AK3 protein (p.Arg222Cys). This variant is not present in population databases (gnomAD no frequency). This variant has not been reported in the literature in individuals affected with EIF2AK3-related conditions. An algorithm developed to predict the effect of missense changes on protein structure and function (PolyPhen-2) suggests that this variant is likely to be disruptive. In summary, the available evidence is currently insufficient to determine the role of this variant in disease. Therefore, it has been classified as a Variant of Uncertain Significance.

NM_004836.7(EIF2AK3):c.664C>T (p.Arg222Cys)

Gene: EIF2AK3 (eukaryotic translation initiation factor 2 alpha kinase 3; minus strand). Cytogenetic location: 2p11.2.
Variant type: single nucleotide variant.
Coding change: c.664C>T on transcript NM_004836.7 (MANE Select); coding-DNA position 664, C replaced by T.
Protein change: p.Arg222Cys; replaces arginine 222 with cysteine.
Molecular consequence: missense variant.
Genome position (GRCh38, 1-based): chr2:88,593,375, G>A on the plus strand (C>T on the coding strand, the complement: EIF2AK3 is on the minus strand). VCF-style: chr2-88593375-G-A. GRCh37 (hg19) VCF-style: chr2-88892893-G-A.
Other names: c.211C>T, p.Arg71Cys (NM_001313915.2); short protein forms R222C, R71C.
Identifiers: ClinVar variation 3614738 (VCV003614738.1).
Genomic context (GRCh38, chr2:88,593,375, plus strand): 5'-GGGTACGCTGTAGAAGCAGGATGTCTTCCTCTTGTTCCATTTCGTCACTATCCCATTGGC[G>A]ACAACCCAGAGCTGAACAGATATACCTCACCTGAAAAGACAAAATTAGATACAAAATTAG-3'
Protein context (NP_004827.4, residues 212-232): VRYICSALGC[Arg222Cys]QWDSDEMEQE